The following is an entry in ClinVar:

NM_005633.4(SOS1):c.1594G>A (p.Glu532Lys)

Gene: SOS1 (SOS Ras/Rac guanine nucleotide exchange factor 1; minus strand). Cytogenetic location: 2p22.1.
Variant type: single nucleotide variant.
Coding change: c.1594G>A on transcript NM_005633.4 (MANE Select); coding-DNA position 1594, G replaced by A.
Protein change: p.Glu532Lys; replaces glutamic acid 532 with lysine.
Molecular consequence: missense variant.
Genome position (GRCh38, 1-based): chr2:39,022,834, C>T on the plus strand (G>A on the coding strand, the complement: SOS1 is on the minus strand). VCF-style: chr2-39022834-C-T. GRCh37 (hg19) VCF-style: chr2-39249975-C-T.
Other names: c.1573G>A, p.Glu525Lys (NM_001382394.1); c.1594G>A, p.Glu532Lys (NM_001382395.1); short protein forms E525K, E532K.
Identifiers: ClinVar variation 2575549 (VCV002575549.2), dbSNP rs2529035968, ClinGen allele CA346365816.

ClinVar aggregate classification (germline): Uncertain significance. Review status: criteria provided, multiple submitters, no conflicts (2 of 4 stars). 2 submissions from 2 submitters: Uncertain significance (2). Last evaluated 2024-07-16.

Allele frequency attached by ClinVar (database versions not stated): gnomAD exomes below 0.00001.
gnomAD v4.1: 1 of 1,613,586 alleles (0.000062%); highest among the groups gnomAD compares: Non-Finnish European, 0.000085%; no homozygotes.

Submissions (2):

Blueprint Genetics
Classification: Uncertain significance. Last evaluated: 2024-07-16. Review status: criteria provided, single submitter. Criteria: ACMG Guidelines, 2015. Collection method: clinical testing. Allele origin: germline.

GeneDx
Classification: Uncertain significance. Last evaluated: 2023-02-09. Review status: criteria provided, single submitter. Criteria: GeneDx Variant Classification Process June 2021. Collection method: clinical testing. Allele origin: germline. Affected: yes.
Comment: Not observed at significant frequency in large population cohorts (gnomAD); Missense variants in this gene are often considered pathogenic (HGMD); In silico analysis supports that this missense variant has a deleterious effect on protein structure/function; Has not been previously published as pathogenic or benign to our knowledge; This variant is associated with the following publications: (PMID: 29493581)